The following is an entry in ClinVar:

ClinVar aggregate classification (germline): Uncertain significance (1 of 4 stars; one submission).

Submission:

GeneDx
Classification: Uncertain significance. Last evaluated: 2022-02-21. Review status: criteria provided, single submitter. Criteria: GeneDx Variant Classification Process June 2021. Collection method: clinical testing. Allele origin: germline. Affected: yes.
Comment: Not observed at significant frequency in large population cohorts (gnomAD); In silico analysis supports that this variant does not alter splicing; Has not been previously published as pathogenic or benign to our knowledge

NM_012208.4(HARS2):c.732+6_732+8del

Gene: HARS2 (histidyl-tRNA synthetase 2, mitochondrial; plus strand). Cytogenetic location: 5q31.3.
Variant type: Deletion.
Coding change: c.732+6_732+8del on transcript NM_012208.4 (MANE Select); bases 6 to 8 of the intron after coding-DNA position 732, 3 bases deleted (AAA; older notation c.732+6_732+8delAAA).
Molecular consequence: intron variant.
Genome position (GRCh38, 1-based): chr5:140,696,207-140,696,209, AAA deleted. VCF-style (leftmost placement, unchanged base first): chr5-140696206-CAAA-C. GRCh37 (hg19) VCF-style: chr5-140075791-CAAA-C.
Other names: c.300+6_300+8del (NM_001278732.2); c.750+6_750+8del (NM_001363535.2); c.657+6_657+8del (NM_001278731.2); c.522+6_522+8del (NM_001363536.2).
Identifiers: ClinVar variation 1702738 (VCV001702738.2), dbSNP rs2149855011, ClinGen allele CA2580072971.